The following is an entry in ClinVar:

NM_005045.4(RELN):c.6157C>T (p.Leu2053Phe)

Gene: RELN (reelin; minus strand). Cytogenetic location: 7q22.1.
Variant type: single nucleotide variant.
Coding change: c.6157C>T on transcript NM_005045.4 (MANE Select); coding-DNA position 6157, C replaced by T.
Protein change: p.Leu2053Phe; replaces leucine 2053 with phenylalanine.
Molecular consequence: missense variant.
Genome position (GRCh38, 1-based): chr7:103,551,212, G>A on the plus strand (C>T on the coding strand, the complement: RELN is on the minus strand). VCF-style: chr7-103551212-G-A. GRCh37 (hg19) VCF-style: chr7-103191659-G-A.
Other names: c.6157C>T, p.Leu2053Phe (NM_173054.3); short protein forms L2053F.
Identifiers: ClinVar variation 650255 (VCV000650255.12), dbSNP rs779142703, ClinGen allele CA4421014.

ClinVar aggregate classification (germline): Uncertain significance. Review status: criteria provided, multiple submitters, no conflicts (2 of 4 stars). 2 submissions from 2 submitters: Uncertain significance (2). Last evaluated 2023-06-25.

Conditions:
Norman-Roberts syndrome (LIS2). Also called: Lissencephaly 2 (Norman-Roberts type). Identifiers: Orphanet 89844, MedGen C0796089, MONDO:0009760, OMIM 257320.
Familial temporal lobe epilepsy 7. Identifiers: Orphanet 101046, MedGen C4225327, MONDO:0014639, OMIM 616436.

Allele frequency attached by ClinVar (database versions not stated): ExAC 0.00001; gnomAD exomes 0.00001.
gnomAD v4.1: 10 of 1,614,118 alleles (0.00062%); highest among the groups gnomAD compares: South Asian, 0.0088%; no homozygotes.

Submissions (2):

Labcorp Genetics (formerly Invitae), Labcorp
Classification: Uncertain significance for Familial temporal lobe epilepsy 7; Norman-Roberts syndrome. Last evaluated: 2023-06-25. Review status: criteria provided, single submitter. Criteria: Invitae Variant Classification Sherloc (09022015). Collection method: clinical testing. Allele origin: germline.
Comment: Advanced modeling of protein sequence and biophysical properties (such as structural, functional, and spatial information, amino acid conservation, physicochemical variation, residue mobility, and thermodynamic stability) performed at Invitae indicates that this missense variant is not expected to disrupt RELN protein function. ClinVar contains an entry for this variant (Variation ID: 650255). This variant has not been reported in the literature in individuals affected with RELN-related conditions. This variant is present in population databases (rs779142703, gnomAD 0.006%). This sequence change replaces leucine, which is neutral and non-polar, with phenylalanine, which is neutral and non-polar, at codon 2053 of the RELN protein (p.Leu2053Phe). In summary, the available evidence is currently insufficient to determine the role of this variant in disease. Therefore, it has been classified as a Variant of Uncertain Significance.

Illumina Laboratory Services, Illumina
Classification: Uncertain significance for Norman-Roberts syndrome. Last evaluated: 2018-01-13. Review status: criteria provided, single submitter. Criteria: ICSL Variant Classification Criteria 13 December 2019. Collection method: clinical testing. Allele origin: germline.